The following is an entry in ClinVar:

NM_015072.5(TTLL5):c.626G>A (p.Arg209His)

Gene: TTLL5 (tubulin tyrosine ligase like 5; plus strand). Cytogenetic location: 14q24.3.
Variant type: single nucleotide variant.
Coding change: c.626G>A on transcript NM_015072.5 (MANE Select); coding-DNA position 626, G replaced by A.
Protein change: p.Arg209His; replaces arginine 209 with histidine.
Molecular consequence: missense variant.
Genome position (GRCh38, 1-based): chr14:75,707,058, G>A. VCF-style: chr14-75707058-G-A. GRCh37 (hg19) VCF-style: chr14-76173401-G-A.
Other names: short protein forms R209H.
Identifiers: ClinVar variation 1470689 (VCV001470689.8), dbSNP rs781617968, ClinGen allele CA7279009.

ClinVar aggregate classification (germline): Uncertain significance (1 of 4 stars; one submission).

Allele frequency attached by ClinVar (database versions not stated): gnomAD exomes 0.00001 and 0.00002; ExAC 0.00002; gnomAD 0.00002; TOPMed 0.00003.
gnomAD v4.1: 23 of 1,612,602 alleles (0.0014%); highest among the groups gnomAD compares: East Asian, 0.0089%; no homozygotes.

Submission:

Labcorp Genetics (formerly Invitae), Labcorp
Classification: Uncertain significance. Last evaluated: 2024-11-05. Review status: criteria provided, single submitter. Criteria: Invitae Variant Classification Sherloc (09022015). Collection method: clinical testing. Allele origin: germline.
Comment: This sequence change replaces arginine, which is basic and polar, with histidine, which is basic and polar, at codon 209 of the TTLL5 protein (p.Arg209His). This variant is present in population databases (rs781617968, gnomAD 0.007%). This variant has not been reported in the literature in individuals affected with TTLL5-related conditions. ClinVar contains an entry for this variant (Variation ID: 1470689). Invitae Evidence Modeling of protein sequence and biophysical properties (such as structural, functional, and spatial information, amino acid conservation, physicochemical variation, residue mobility, and thermodynamic stability) has been performed for this missense variant. However, the output from this modeling did not meet the statistical confidence thresholds required to predict the impact of this variant on TTLL5 protein function. Algorithms developed to predict the effect of sequence changes on RNA splicing suggest that this variant may disrupt the consensus splice site. In summary, the available evidence is currently insufficient to determine the role of this variant in disease. Therefore, it has been classified as a Variant of Uncertain Significance.